The following is an entry in ClinVar:

ClinVar aggregate classification (germline): Likely pathogenic (1 of 4 stars; one submission).

Conditions:
Intellectual disability, autosomal recessive 42 (NEDDSBA). Also called: GLYCOSYLPHOSPHATIDYLINOSITOL BIOSYNTHESIS DEFECT 9; Neurodevelopmental disorder with dysmorphic features, spasticity, and brain abnormalities. Identifiers: Orphanet 88616, MedGen C4014343, MONDO:0014348, OMIM 615802.

Submission:

Diagnostics Services (NGS), CSIR - Centre For Cellular And Molecular Biology
Classification: Likely pathogenic for Intellectual disability, autosomal recessive 42. Last evaluated: 2026-08-24. Review status: criteria provided, single submitter. Criteria: ACMG Guidelines, 2015. Collection method: clinical testing. Allele origin: germline. Observed: 1 variant allele, 1 homozygote.
Comment: The c.1426+1del variant is not present in publicly available population databases like 1000 Genomes, EVS, gnomAD, Indian Exome Database, GenomeIndia Database or in our internal database. This variant has neither been published in the literature for PGAP1-related conditions nor reported to the clinical databases like Human Genome Mutation Databases (HGMD), ClinVar or OMIM, in any affected individuals. Algorithms developed to predict the effect of sequence changes on RNA splicing suggest that this variant can disrupt the consensus splice site. In-silico pathogenicity prediction programs like HSF3.1, MutationTaster2, CADD, Varsome, Franklin etc predicted the variant to be likely deleterious, however these predictions were not confirmed by published functional/translational studies.

NM_024989.4(PGAP1):c.1426+1del

Gene: PGAP1 (post-GPI attachment to proteins inositol deacylase 1; minus strand). Cytogenetic location: 2q33.1.
Variant type: Deletion.
Coding change: c.1426+1del on transcript NM_024989.4 (MANE Select); the canonical splice donor site of the intron after coding-DNA position 1426, one base deleted (G; older notation c.1426+1delG).
Molecular consequence: splice donor variant.
Genome position (GRCh38, 1-based): chr2:196,875,745, C deleted on the plus strand (G on the coding strand, the reverse complement: PGAP1 is on the minus strand); the first of 2 consecutive C bases (chr2:196,875,745-196,875,746); deleting either gives the same sequence. VCF-style (leftmost placement, unchanged base first): chr2-196875744-AC-A. GRCh37 (hg19) VCF-style: chr2-197740468-AC-A.
Other names: c.259+1del (NM_001321100.2); c.904+1del (NM_001321099.2).
Identifiers: ClinVar variation 4974994 (VCV004974994.1).